The following is an entry in ClinVar:

NM_001130004.2(ACTN1):c.723C>T (p.Tyr241=)

Gene: ACTN1 (actinin alpha 1; minus strand). Cytogenetic location: 14q24.1.
Variant type: single nucleotide variant.
Coding change: c.723C>T on transcript NM_001130004.2 (MANE Select); coding-DNA position 723, C replaced by T.
Protein change: p.Tyr241=; no amino-acid change (tyrosine 241 retained).
Molecular consequence: synonymous variant.
Genome position (GRCh38, 1-based): chr14:68,902,516, G>A on the plus strand (C>T on the coding strand, the complement: ACTN1 is on the minus strand). VCF-style: chr14-68902516-G-A. GRCh37 (hg19) VCF-style: chr14-69369233-G-A.
Other names: c.723C>T, p.Tyr241= (NM_001102.4, NM_001130005.2, NM_001411035.1); c.528C>T, p.Tyr176= (NM_001411036.1).
Identifiers: ClinVar variation 2198732 (VCV002198732.7), dbSNP rs149168564, ClinGen allele CA7242594.

ClinVar aggregate classification (germline): Benign/Likely benign. Review status: criteria provided, multiple submitters, no conflicts (2 of 4 stars). 3 submissions from 3 submitters: Benign (1); Likely benign (1). 1 of the submissions does not count toward it. Last evaluated 2025-01-28.

Conditions:
ACTN1-related disorder. Also called: ACTN1-related condition.

Allele frequency attached by ClinVar (database versions not stated): TOPMed 0.00011; ExAC 0.00015; gnomAD 0.00015; 1000 Genomes Project 30x 0.00016; 1000 Genomes Project 0.00020; ESP Exome Variant Server 0.00046.
gnomAD v4.1: 139 of 1,613,862 alleles (0.0086%); highest among the groups gnomAD compares: Middle Eastern, 0.066%; no homozygotes.

Submissions (3):

Labcorp Genetics (formerly Invitae), Labcorp
Classification: Benign. Last evaluated: 2025-01-28. Review status: criteria provided, single submitter. Criteria: Invitae Variant Classification Sherloc (09022015). Collection method: clinical testing. Allele origin: germline.

Blueprint Genetics
Classification: Likely benign. Last evaluated: 2024-11-14. Review status: criteria provided, single submitter. Criteria: ACMG Guidelines, 2015. Collection method: clinical testing. Allele origin: germline.

PreventionGenetics, part of Exact Sciences
Classification: Likely benign for ACTN1-related condition. Last evaluated: 2019-05-21. Review status: no assertion criteria provided. Collection method: clinical testing. Allele origin: germline. Not counted in ClinVar's aggregate classification.
Comment: This variant is classified as likely benign based on ACMG/AMP sequence variant interpretation guidelines (Richards et al. 2015 PMID: 25741868, with internal and published modifications).